The following is an entry in ClinVar:

NM_033124.5(DRC2):c.2T>A (p.Met1Lys)

Gene: DRC2 (dynein regulatory complex subunit 2; plus strand). Cytogenetic location: 12q13.12.
Variant type: single nucleotide variant.
Coding change: c.2T>A on transcript NM_033124.5 (MANE Select); coding-DNA position 2, T replaced by A.
Protein change: p.Met1Lys; changes the start codon (methionine 1).
Molecular consequence: missense variant, initiator codon variant. On other transcripts: 5 prime UTR variant (1).
Genome position (GRCh38, 1-based): chr12:48,904,338, T>A. VCF-style: chr12-48904338-T-A. GRCh37 (hg19) VCF-style: chr12-49298121-T-A.
Other names: c.-388T>A (NM_001286957.2); short protein forms M1K.
Identifiers: ClinVar variation 1010054 (VCV001010054.11), dbSNP rs1939435183, ClinGen allele CA384652153.

ClinVar aggregate classification (germline): Uncertain significance. Review status: criteria provided, multiple submitters, no conflicts (2 of 4 stars). 2 submissions from 2 submitters: Uncertain significance (2). Last evaluated 2022-11-28.

Conditions:
Primary ciliary dyskinesia 27. Also called: CILIARY DYSKINESIA, PRIMARY, 27, WITHOUT SITUS INVERSUS. Identifiers: Orphanet 244, MedGen C3809701, MONDO:0014215, OMIM 615504.

gnomAD v4.1: 1 of 1,612,894 alleles (0.000062%); highest among the groups gnomAD compares: African/African-American, 0.0013%; no homozygotes.

Submissions (2):

Labcorp Genetics (formerly Invitae), Labcorp
Classification: Uncertain significance for Primary ciliary dyskinesia 27. Last evaluated: 2022-11-28. Review status: criteria provided, single submitter. Criteria: Invitae Variant Classification Sherloc (09022015). Collection method: clinical testing. Allele origin: germline.
Comment: This sequence change affects the initiator methionine of the CCDC65 mRNA. The next in-frame methionine is located at codon 7. This variant is not present in population databases (gnomAD no frequency). This variant has not been reported in the literature in individuals affected with CCDC65-related conditions. ClinVar contains an entry for this variant (Variation ID: 1010054). In summary, the available evidence is currently insufficient to determine the role of this variant in disease. Therefore, it has been classified as a Variant of Uncertain Significance.

Fulgent Genetics
Classification: Uncertain significance for Primary ciliary dyskinesia 27. Last evaluated: 2022-02-18. Review status: criteria provided, single submitter. Criteria: ACMG Guidelines, 2015. Collection method: clinical testing. Allele origin: unknown.